The following is an entry in ClinVar:

ClinVar aggregate classification (germline): Benign. Review status: criteria provided, multiple submitters, no conflicts (2 of 4 stars). 2 submissions from 2 submitters: Benign (2). Last evaluated 2018-01-13.

Conditions:
Nemaline myopathy 6 (NEM6). Also called: Nemaline myopathy 6, autosomal dominant. Identifiers: Orphanet 171439, MedGen C1836472, MONDO:0012237, OMIM 609273.

Allele frequency attached by ClinVar (database versions not stated): 1000 Genomes Project 0.01577; 1000 Genomes Project 30x 0.01749; gnomAD 0.01149 and 0.01085; TOPMed 0.01213.

Submissions (2):

Illumina Laboratory Services, Illumina
Classification: Benign for Nemaline myopathy 6. Last evaluated: 2018-01-13. Review status: criteria provided, single submitter. Criteria: ICSL Variant Classification Criteria 13 December 2019. Collection method: clinical testing. Allele origin: germline.
Comment: This variant was observed in the ICSL laboratory as part of a predisposition screen in an ostensibly healthy population. It had not been previously curated by ICSL or reported in the Human Gene Mutation Database (HGMD: prior to June 1st, 2018), and was therefore a candidate for classification through an automated scoring system. Utilizing variant allele frequency, disease prevalence and penetrance estimates, and inheritance mode, an automated score was calculated to assess if this variant is too frequent to cause the disease. Based on the score and internal cut-off values, a variant classified as benign is not then subjected to further curation. The score for this variant resulted in a classification of benign for this disease.

Breakthrough Genomics
Classification: Benign. Review status: criteria provided, single submitter. Criteria: ACMG Guidelines, 2015. Collection method: not provided. Allele origin: germline. Inheritance: Autosomal dominant inheritance. Affected: yes.

NM_001101362.3(KBTBD13):c.*1611G>A

Gene: KBTBD13 (kelch repeat and BTB domain containing 13; plus strand). Cytogenetic location: 15q22.31.
Variant type: single nucleotide variant.
Coding change: c.*1611G>A on transcript NM_001101362.3 (MANE Select); 1611 bases downstream of the stop codon, G replaced by A.
Molecular consequence: 3 prime UTR variant.
Genome position (GRCh38, 1-based): chr15:65,079,803, G>A. VCF-style: chr15-65079803-G-A. GRCh37 (hg19) VCF-style: chr15-65372141-G-A.
Identifiers: ClinVar variation 316777 (VCV000316777.6), dbSNP rs16948496, ClinGen allele CA10642348.